The following is an entry in ClinVar:

NM_001042750.2(STAG2):c.2295G>A (p.Met765Ile)

Gene: STAG2 (STAG2 cohesin complex component; plus strand). Cytogenetic location: Xq25.
Variant type: single nucleotide variant.
Coding change: c.2295G>A on transcript NM_001042750.2 (MANE Select); coding-DNA position 2295, G replaced by A.
Protein change: p.Met765Ile; replaces methionine 765 with isoleucine.
Molecular consequence: missense variant.
Genome position (GRCh38, 1-based): chrX:124,068,593, G>A. VCF-style: chrX-124068593-G-A. GRCh37 (hg19) VCF-style: chrX-123202443-G-A.
Other names: c.2295G>A, p.Met765Ile (NM_001042749.2, NM_001042751.2, NM_001282418.2 and 13 more transcripts); short protein forms M765I.
Identifiers: ClinVar variation 3681363 (VCV003681363.2).

ClinVar aggregate classification (germline): Uncertain significance (1 of 4 stars; one submission).

Submission:

Labcorp Genetics (formerly Invitae), Labcorp
Classification: Uncertain significance. Last evaluated: 2024-04-15. Review status: criteria provided, single submitter. Criteria: Invitae Variant Classification Sherloc (09022015). Collection method: clinical testing. Allele origin: germline.
Comment: This sequence change replaces methionine, which is neutral and non-polar, with isoleucine, which is neutral and non-polar, at codon 765 of the STAG2 protein (p.Met765Ile). This variant is not present in population databases (gnomAD no frequency). This variant has not been reported in the literature in individuals affected with STAG2-related conditions. Advanced modeling of protein sequence and biophysical properties (such as structural, functional, and spatial information, amino acid conservation, physicochemical variation, residue mobility, and thermodynamic stability) performed at Invitae indicates that this missense variant is not expected to disrupt STAG2 protein function with a negative predictive value of 80%. In summary, the available evidence is currently insufficient to determine the role of this variant in disease. Therefore, it has been classified as a Variant of Uncertain Significance.